The following is an entry in ClinVar:

ClinVar aggregate classification (germline): Pathogenic/Likely pathogenic. Review status: criteria provided, multiple submitters, no conflicts (2 of 4 stars). 4 submissions from 4 submitters: Pathogenic (2); Likely pathogenic (2). Last evaluated 2025-05-04.

Conditions:
ATM-related disorder. Also called: ATM-related disorders; ATM-related condition.
Ataxia-telangiectasia syndrome (AT). Also called: Ataxia telangiectasia (A-T); Cerebello-oculocutaneous telangiectasia; Immunodeficiency with ataxia telangiectasia; Ataxia-telangiectasia, complementation group E; LOUIS-BAR SYNDROME; Ataxia-telangiectasia. Identifiers: Orphanet 100, MedGen C0004135, MONDO:0008840, OMIM 208900.
Familial cancer of breast. Also called: BREAST CANCER, FAMILIAL; hereditary breast carcinoma; Hereditary breast cancer. Identifiers: Orphanet 227535, MedGen C0346153, MONDO:0016419, OMIM 114480. Disease mechanism: loss of function.

Submissions (4):

PreventionGenetics, part of Exact Sciences
Classification: Pathogenic for ATM-related condition. Last evaluated: 2025-05-04. Review status: criteria provided, single submitter. Criteria: ACMG Guidelines, 2015. Collection method: clinical testing. Allele origin: germline.
Comment: The ATM c.4161dupA variant is predicted to result in a frameshift and premature protein termination (p.Ala1388Serfs*11). To our knowledge, this variant has not been reported in the literature, or a large population frequency database (gnomAD), indicating this variant is rare. This variant is interpreted as likely pathogenic/pathogenic in ClinVar. Frameshift variants in ATM are expected to be pathogenic. This variant is interpreted as pathogenic.

Department of Pathology and Laboratory Medicine, Sinai Health System
Classification: Likely pathogenic for Familial cancer of breast; Ataxia-telangiectasia syndrome. Last evaluated: 2024-10-01. Review status: criteria provided, single submitter. Criteria: ACMG Guidelines, 2015. Collection method: clinical testing. Allele origin: germline.

Myriad Genetics, Inc.
Classification: Pathogenic for Familial cancer of breast. Last evaluated: 2024-01-23. Review status: criteria provided, single submitter. Criteria: Myriad Autosomal Dominant, Autosomal Recessive and X-Linked Classification Criteria (2023). Collection method: clinical testing. Allele origin: unknown.
Comment: This variant is considered pathogenic. This variant creates a frameshift predicted to result in premature protein truncation.

Baylor Genetics
Classification: Likely pathogenic for Familial cancer of breast. Last evaluated: 2023-03-14. Review status: criteria provided, single submitter. Criteria: ACMG Guidelines, 2015. Collection method: clinical testing. Allele origin: unknown.

NM_000051.4(ATM):c.4161dup (p.Ala1388fs)

Gene: ATM (ATM serine/threonine kinase; plus strand). Cytogenetic location: 11q22.3.
Variant type: Duplication.
Coding change: c.4161dup on transcript NM_000051.4 (MANE Select); coding-DNA position 4161, one base duplicated (A; older notation c.4161dupA).
Protein change: p.Ala1388fs; shifts the reading frame from alanine 1388.
Molecular consequence: frameshift variant.
Genome position (GRCh38, 1-based): chr11:108,289,028, A duplicated; the last of 3 consecutive A bases (chr11:108,289,026-108,289,028); duplicating any one gives the same sequence. VCF-style (leftmost placement, unchanged base first): chr11-108289025-T-TA. GRCh37 (hg19) VCF-style: chr11-108159752-T-TA.
Other names: c.4161dup, p.Ala1388fs (NM_001351834.2); c.4161dupA (NM_000051.3); short protein forms A1388fs.
Identifiers: ClinVar variation 2679740 (VCV002679740.4), dbSNP rs2546904297, ClinGen allele CA2695198976.